The following is an entry in ClinVar:

ClinVar aggregate classification (germline): Likely pathogenic (1 of 4 stars; one submission).

Conditions:
Neurofibromatosis, type 1 (NF1). Also called: NEUROFIBROMATOSIS, TYPE I, SOMATIC; Peripheral type neurofibromatosis; Neurofibromatosis, type I; VON RECKLINGHAUSEN DISEASE. Identifiers: Orphanet 636, MedGen C0027831, MONDO:0018975, OMIM 162200. Disease mechanism: loss of function.

Submission:

3billion
Classification: Likely pathogenic for Neurofibromatosis, type 1. Last evaluated: 2021-10-02. Review status: criteria provided, single submitter. Criteria: ACMG Guidelines, 2015. Collection method: clinical testing. Allele origin: unknown. Affected: yes. Observed: 1 heterozygote.
Comment: Frameshift: predicted to result in a loss or disruption of normal protein function through nonsense-mediated decay (NMD) or protein truncation. Multiple pathogenic variants are reported downstream of the variant (PVS1_VS). It is not observed in the gnomAD v2.1.1 dataset (PM2). Therefore, this variant is classified as likely pathogenic according to the recommendation of ACMG/AMP guideline.

NM_001042492.3(NF1):c.7115del (p.Lys2372fs)

Gene: NF1 (neurofibromin 1; plus strand). Cytogenetic location: 17q11.2.
Variant type: Deletion.
Coding change: c.7115del on transcript NM_001042492.3 (MANE Select); coding-DNA position 7115, one base deleted (A; older notation c.7115delA).
Protein change: p.Lys2372fs; shifts the reading frame from lysine 2372.
Molecular consequence: frameshift variant.
Genome position (GRCh38, 1-based): chr17:31,343,061, A deleted; the last of 2 consecutive A bases (chr17:31,343,060-31,343,061); deleting either gives the same sequence. VCF-style (leftmost placement, unchanged base first): chr17-31343059-CA-C. GRCh37 (hg19) VCF-style: chr17-29670077-CA-C.
Other names: c.7052delA, p.Lys2351Serfs (NM_000267.4); c.7115delA, p.Lys2372Serfs (NM_001042492.2); short protein forms K2351fs, K2372fs.
Identifiers: ClinVar variation 1320237 (VCV001320237.1), dbSNP rs2151565074, ClinGen allele CA2573054399.